The following is an entry in ClinVar:

NM_000069.3(CACNA1S):c.1393+11A>T

Gene: CACNA1S (calcium voltage-gated channel subunit alpha1 S; minus strand). Cytogenetic location: 1q32.1.
Variant type: single nucleotide variant.
Coding change: c.1393+11A>T on transcript NM_000069.3 (MANE Select); 11 bases into the intron after coding-DNA position 1393, A replaced by T.
Molecular consequence: intron variant.
Genome position (GRCh38, 1-based): chr1:201,083,151, T>A on the plus strand (A>T on the coding strand, the complement: CACNA1S is on the minus strand). VCF-style: chr1-201083151-T-A. GRCh37 (hg19) VCF-style: chr1-201052279-T-A.
Identifiers: ClinVar variation 391305 (VCV000391305.13), dbSNP rs753604199, ClinGen allele CA078180.

ClinVar aggregate classification (germline): Benign/Likely benign. Review status: criteria provided, multiple submitters, no conflicts (2 of 4 stars). 9 submissions from 6 submitters: Benign (5); Likely benign (4). Last evaluated 2026-01-28.

Conditions:
Malignant hyperthermia, susceptibility to, 5 (MHS5). Also called: CACNA1S-Related Malignant Hyperthermia Susceptibility. Identifiers: Orphanet 423, MedGen C1866077, MONDO:0011163, OMIM 601887.
Hypokalemic periodic paralysis, type 1. Also called: HypoPP; Hypokalemic Periodic Paralysis Type 1 (AD). Identifiers: Orphanet 681, MedGen C3714580, MONDO:0042979, OMIM 170400.
Thyrotoxic periodic paralysis, susceptibility to, 1 (TTPP1). Identifiers: Orphanet 79102, MedGen C2749982, MONDO:0008570, OMIM 188580.
Congenital myopathy 18. Also called: DIHYDROPYRIDINE RECEPTOR CONGENITAL MYOPATHY; DHPR CONGENITAL MYOPATHY; Myopathy, congenital, due to dihydropyridine receptor defect. Identifiers: MedGen C5830283, MONDO:0859514, OMIM 620246.

Allele frequency attached by ClinVar (database versions not stated): gnomAD 0.00003; TOPMed 0.00014.
gnomAD v4.1: 89 of 1,613,440 alleles (0.0055%); highest among the groups gnomAD compares: Admixed American, 0.15%; no homozygotes.

Submissions (9):

Labcorp Genetics (formerly Invitae), Labcorp
Classification: Benign for Hypokalemic periodic paralysis, type 1; Malignant hyperthermia, susceptibility to, 5. Last evaluated: 2026-01-28. Review status: criteria provided, single submitter. Criteria: Invitae Variant Classification Sherloc (09022015). Collection method: clinical testing. Allele origin: germline.

Genome-Nilou Lab
Classification: Benign for Malignant hyperthermia, susceptibility to, 5. Last evaluated: 2023-04-11. Review status: criteria provided, single submitter. Criteria: ACMG Guidelines, 2015. Collection method: clinical testing. Allele origin: germline. Affected: no.

Genome-Nilou Lab
Classification: Benign for Thyrotoxic periodic paralysis, susceptibility to, 1. Last evaluated: 2023-04-11. Review status: criteria provided, single submitter. Criteria: ACMG Guidelines, 2015. Collection method: clinical testing. Allele origin: germline. Affected: no.

Genome-Nilou Lab
Classification: Benign for Congenital myopathy 18. Last evaluated: 2023-04-11. Review status: criteria provided, single submitter. Criteria: ACMG Guidelines, 2015. Collection method: clinical testing. Allele origin: germline. Affected: no.

Genome-Nilou Lab
Classification: Benign for Hypokalemic periodic paralysis, type 1. Last evaluated: 2023-04-11. Review status: criteria provided, single submitter. Criteria: ACMG Guidelines, 2015. Collection method: clinical testing. Allele origin: germline. Affected: no.

Fulgent Genetics
Classification: Likely benign for Hypokalemic periodic paralysis, type 1; Thyrotoxic periodic paralysis, susceptibility to, 1; Malignant hyperthermia, susceptibility to, 5. Last evaluated: 2021-12-28. Review status: criteria provided, single submitter. Criteria: ACMG Guidelines, 2015. Collection method: clinical testing. Allele origin: unknown.

Blueprint Genetics
Classification: Likely benign. Last evaluated: 2021-02-25. Review status: criteria provided, single submitter. Criteria: ACMG Guidelines, 2015. Collection method: clinical testing. Allele origin: germline.

GeneDx
Classification: Likely benign. Last evaluated: 2017-08-23. Review status: criteria provided, single submitter. Criteria: GeneDx Variant Classification (06012015). Collection method: clinical testing. Allele origin: germline. Affected: yes.
Comment: This variant is considered likely benign or benign based on one or more of the following criteria: it is a conservative change, it occurs at a poorly conserved position in the protein, it is predicted to be benign by multiple in silico algorithms, and/or has population frequency not consistent with disease.

Breakthrough Genomics
Classification: Likely benign. Review status: criteria provided, single submitter. Criteria: ACMG Guidelines, 2015. Collection method: not provided. Allele origin: germline. Inheritance: Autosomal dominant inheritance. Affected: yes.